The following is an entry in ClinVar:

ClinVar aggregate classification (germline): Uncertain significance (1 of 4 stars; one submission).

Conditions:
Hereditary nonpolyposis colorectal neoplasms. Identifiers: MedGen C0009405, MeSH D003123.

gnomAD v4.1: 1 of 1,578,744 alleles (0.000063%); no homozygotes.

Submission:

Labcorp Genetics (formerly Invitae), Labcorp
Classification: Uncertain significance for Hereditary nonpolyposis colorectal neoplasms. Last evaluated: 2020-12-13. Review status: criteria provided, single submitter. Criteria: Invitae Variant Classification Sherloc (09022015). Collection method: clinical testing. Allele origin: germline.
Comment: This sequence change falls in intron 3 of the PMS2 gene. It does not directly change the encoded amino acid sequence of the PMS2 protein. This variant is not present in population databases (ExAC no frequency). This variant has not been reported in the literature in individuals with PMS2-related conditions. Algorithms developed to predict the effect of sequence changes on RNA splicing suggest that this variant may disrupt the consensus splice site, but this prediction has not been confirmed by published transcriptional studies. In summary, the available evidence is currently insufficient to determine the role of this variant in disease. Therefore, it has been classified as a Variant of Uncertain Significance.

NM_000535.7(PMS2):c.251-5T>G

Gene: PMS2 (PMS1 homolog 2, mismatch repair system component; minus strand). Cytogenetic location: 7p22.1.
Variant type: single nucleotide variant.
Coding change: c.251-5T>G on transcript NM_000535.7 (MANE Select); 5 bases into the intron before coding-DNA position 251, T replaced by G.
Molecular consequence: intron variant.
Genome position (GRCh38, 1-based): chr7:6,003,797, A>C on the plus strand (T>G on the coding strand, the complement: PMS2 is on the minus strand). VCF-style: chr7-6003797-A-C. GRCh37 (hg19) VCF-style: chr7-6043428-A-C.
Other names: c.35+175T>G (NM_001322008.2, NM_001322007.2); c.-155-5T>G (NM_001322010.2, NM_001322004.2, NM_001322013.2 and 3 more transcripts); c.-634-5T>G (NM_001322012.2, NM_001322011.2); c.-234-5T>G (NM_001322015.2); c.251-5T>G (NM_001322006.2, NM_001322014.2).
Identifiers: ClinVar variation 1471906 (VCV001471906.8), dbSNP rs2128827794, ClinGen allele CA2573141981.